The following is an entry in ClinVar:

ClinVar aggregate classification (germline): Likely benign (1 of 4 stars; one submission).

Allele frequency attached by ClinVar (database versions not stated): gnomAD 0.00637 and 0.00695; 1000 Genomes Project 30x 0.00671; TOPMed 0.00757; 1000 Genomes Project 0.00579.

Submission:

GeneDx
Classification: Likely benign. Last evaluated: 2018-06-14. Review status: criteria provided, single submitter. Criteria: GeneDx Variant Classification (06012015). Collection method: clinical testing. Allele origin: germline. Affected: yes.
Comment: This variant is considered likely benign or benign based on one or more of the following criteria: it is a conservative change, it occurs at a poorly conserved position in the protein, it is predicted to be benign by multiple in silico algorithms, and/or has population frequency not consistent with disease.

NM_018109.4(MTPAP):c.1387-295A>G

Gene: MTPAP (mitochondrial poly(A) polymerase; minus strand). Cytogenetic location: 10p11.23.
Variant type: single nucleotide variant.
Coding change: c.1387-295A>G on transcript NM_018109.4 (MANE Select); 295 bases into the intron before coding-DNA position 1387, A replaced by G.
Molecular consequence: intron variant.
Genome position (GRCh38, 1-based): chr10:30,314,266, T>C on the plus strand (A>G on the coding strand, the complement: MTPAP is on the minus strand). VCF-style: chr10-30314266-T-C. GRCh37 (hg19) VCF-style: chr10-30603195-T-C.
Identifiers: ClinVar variation 673194 (VCV000673194.1), dbSNP rs76145367, ClinGen allele CA205301319.